The following is an entry in ClinVar:

ClinVar aggregate classification (germline): Uncertain significance. Review status: criteria provided, multiple submitters, no conflicts (2 of 4 stars). 2 submissions from 2 submitters: Uncertain significance (2). Last evaluated 2024-11-27.

Conditions:
Long QT syndrome (LQTS). Identifiers: MedGen C0023976, MeSH D008133, MONDO:0002442. Disease mechanism: loss of function. Inheritance: Various modes of inheritance.
Cardiovascular phenotype. Identifiers: MedGen CN230736.

Allele frequency attached by ClinVar (database versions not stated): TOPMed below 0.00001; gnomAD 0.00001; gnomAD exomes 0.00003.
gnomAD v4.1: 40 of 1,610,680 alleles (0.0025%); highest among the groups gnomAD compares: Non-Finnish European, 0.0031%; no homozygotes.

Submissions (2):

Labcorp Genetics (formerly Invitae), Labcorp
Classification: Uncertain significance for Long QT syndrome. Last evaluated: 2024-11-27. Review status: criteria provided, single submitter. Criteria: Invitae Variant Classification Sherloc (09022015). Collection method: clinical testing. Allele origin: germline.
Comment: This sequence change replaces leucine, which is neutral and non-polar, with proline, which is neutral and non-polar, at codon 825 of the AKAP9 protein (p.Leu825Pro). This variant is present in population databases (no rsID available, gnomAD 0.002%). This variant has not been reported in the literature in individuals affected with AKAP9-related conditions. ClinVar contains an entry for this variant (Variation ID: 2624559). An algorithm developed to predict the effect of missense changes on protein structure and function (PolyPhen-2) suggests that this variant is likely to be disruptive. In summary, the available evidence is currently insufficient to determine the role of this variant in disease. Therefore, it has been classified as a Variant of Uncertain Significance.

Ambry Genetics
Classification: Uncertain significance for Cardiovascular phenotype. Last evaluated: 2023-06-29. Review status: criteria provided, single submitter. Criteria: Ambry Variant Classification Scheme 2023. Collection method: clinical testing. Allele origin: germline.
Comment: The p.L825P variant (also known as c.2474T>C), located in coding exon 8 of the AKAP9 gene, results from a T to C substitution at nucleotide position 2474. The leucine at codon 825 is replaced by proline, an amino acid with similar properties. This amino acid position is conserved. In addition, this alteration is predicted to be tolerated by in silico analysis. Since supporting evidence is limited at this time, the clinical significance of this alteration remains unclear.

NM_005751.5(AKAP9):c.2474T>C (p.Leu825Pro)

Gene: AKAP9 (A-kinase anchoring protein 9; plus strand). Cytogenetic location: 7q21.2.
Variant type: single nucleotide variant.
Coding change: c.2474T>C on transcript NM_005751.5 (MANE Select); coding-DNA position 2474, T replaced by C.
Protein change: p.Leu825Pro; replaces leucine 825 with proline.
Molecular consequence: missense variant.
Genome position (GRCh38, 1-based): chr7:92,002,391, T>C. VCF-style: chr7-92002391-T-C. GRCh37 (hg19) VCF-style: chr7-91631705-T-C.
Other names: c.2474T>C, p.Leu825Pro (NM_147185.3); short protein forms L825P.
Identifiers: ClinVar variation 2624559 (VCV002624559.4), dbSNP rs1240000701, ClinGen allele CA368124200.